The following is an entry in ClinVar:

NM_000135.4(FANCA):c.1720T>G (p.Phe574Val)

Gene: FANCA (FA complementation group A; minus strand). Cytogenetic location: 16q24.3.
Variant type: single nucleotide variant.
Coding change: c.1720T>G on transcript NM_000135.4 (MANE Select); coding-DNA position 1720, T replaced by G.
Protein change: p.Phe574Val; replaces phenylalanine 574 with valine.
Molecular consequence: missense variant.
Genome position (GRCh38, 1-based): chr16:89,778,999, A>C on the plus strand (T>G on the coding strand, the complement: FANCA is on the minus strand). VCF-style: chr16-89778999-A-C. GRCh37 (hg19) VCF-style: chr16-89845407-A-C.
Other names: c.1720T>G, p.Phe574Val (NM_001286167.3); short protein forms F574V.
Identifiers: ClinVar variation 3848057 (VCV003848057.1).

ClinVar aggregate classification (germline): Uncertain significance (1 of 4 stars; one submission).

Conditions:
Inborn genetic diseases. Identifiers: MedGen C0950123, MeSH D030342.

Submission:

Ambry Genetics
Classification: Uncertain significance for Inborn genetic diseases. Last evaluated: 2024-12-25. Review status: criteria provided, single submitter. Criteria: Ambry Variant Classification Scheme 2023. Collection method: clinical testing. Allele origin: germline.
Comment: The p.F574V variant (also known as c.1720T>G), located in coding exon 19 of the FANCA gene, results from a T to G substitution at nucleotide position 1720. The phenylalanine at codon 574 is replaced by valine, an amino acid with highly similar properties. This amino acid position is conserved. In addition, this alteration is predicted to be deleterious by in silico analysis. Based on the available evidence, the clinical significance of this variant remains unclear.